The following is an entry in ClinVar:

NM_001122955.4(BSCL2):c.846G>A (p.Ala282=)

Genes: BSCL2 (BSCL2 lipid droplet biogenesis associated, seipin; minus strand), HNRNPUL2-BSCL2 (HNRNPUL2-BSCL2 readthrough (NMD candidate); minus strand). Cytogenetic location: 11q12.3.
Variant type: single nucleotide variant.
Coding change: c.846G>A on transcript NM_001122955.4 (MANE Select); coding-DNA position 846, G replaced by A.
Protein change: p.Ala282=; no amino-acid change (alanine 282 retained).
Molecular consequence: synonymous variant. On other transcripts: non-coding transcript variant (1).
Genome position (GRCh38, 1-based): chr11:62,692,393, C>T on the plus strand (G>A on the coding strand, the complement: BSCL2 is on the minus strand). VCF-style: chr11-62692393-C-T. GRCh37 (hg19) VCF-style: chr11-62459865-C-T.
Other names: c.654G>A, p.Ala218= (NM_001130702.2, NM_032667.6); c.846G>A, p.Ala282= (NM_001386027.1, NM_001386028.1); c.846G>A (NM_001122955.3).
Identifiers: ClinVar variation 697352 (VCV000697352.14), dbSNP rs375554369, ClinGen allele CA6053436.

ClinVar aggregate classification (germline): Conflicting classifications of pathogenicity. Review status: criteria provided, conflicting classifications (1 of 4 stars). 3 submissions from 3 submitters: Uncertain significance (1); Likely benign (2). Last evaluated 2025-09-30.

Conditions:
Charcot-Marie-Tooth disease type 2. Also called: Charcot-Marie-Tooth type 2. Identifiers: Orphanet 64746, MedGen C0270914, MONDO:0018993.
BSCL2-related disorder. Also called: BSCL2-Related Disorders; BSCL2-related condition.
Hereditary spastic paraplegia. Also called: Familial spastic paraparesis. Identifiers: Orphanet 685, MedGen C0037773, MONDO:0019064. Disease mechanism: loss of function.

Allele frequency attached by ClinVar (database versions not stated): gnomAD 0.00003 and 0.00004; ExAC 0.00005; gnomAD exomes 0.00006 and 0.00018; ESP Exome Variant Server 0.00008; TOPMed 0.00015.

Submissions (3):

PreventionGenetics, part of Exact Sciences
Classification: Likely benign for BSCL2-related condition. Last evaluated: 2025-09-30. Review status: criteria provided, single submitter. Criteria: ACMG Guidelines, 2015. Collection method: clinical testing. Allele origin: germline.
Comment: This variant is classified as likely benign based on ACMG/AMP sequence variant interpretation guidelines (Richards et al. 2015 PMID: 25741868, with internal and published modifications).

Labcorp Genetics (formerly Invitae), Labcorp
Classification: Likely benign for Charcot-Marie-Tooth disease type 2. Last evaluated: 2025-09-28. Review status: criteria provided, single submitter. Criteria: Invitae Variant Classification Sherloc (09022015). Collection method: clinical testing. Allele origin: germline.

Genome Diagnostics Laboratory, The Hospital for Sick Children
Classification: Uncertain significance for Hereditary spastic paraplegia. Last evaluated: 2017-02-15. Review status: criteria provided, single submitter. Criteria: ACMG Guidelines, 2015. Collection method: clinical testing. Allele origin: germline. Affected: yes.